The following is an entry in ClinVar:

ClinVar aggregate classification (germline): Uncertain significance (1 of 4 stars; one submission).

gnomAD v4.1: 1 of 1,613,916 alleles (0.000062%); highest among the groups gnomAD compares: Admixed American, 0.0017%; no homozygotes.

Submission:

Labcorp Genetics (formerly Invitae), Labcorp
Classification: Uncertain significance. Last evaluated: 2024-11-06. Review status: criteria provided, single submitter. Criteria: Invitae Variant Classification Sherloc (09022015). Collection method: clinical testing. Allele origin: germline.
Comment: This sequence change replaces threonine, which is neutral and polar, with serine, which is neutral and polar, at codon 3916 of the LRP2 protein (p.Thr3916Ser). This variant is present in population databases (no rsID available, gnomAD 0.1%). This variant has not been reported in the literature in individuals affected with LRP2-related conditions. ClinVar contains an entry for this variant (Variation ID: 2092420). Invitae Evidence Modeling of protein sequence and biophysical properties (such as structural, functional, and spatial information, amino acid conservation, physicochemical variation, residue mobility, and thermodynamic stability) indicates that this missense variant is not expected to disrupt LRP2 protein function with a negative predictive value of 95%. In summary, the available evidence is currently insufficient to determine the role of this variant in disease. Therefore, it has been classified as a Variant of Uncertain Significance.

NM_004525.3(LRP2):c.11746A>T (p.Thr3916Ser)

Gene: LRP2 (LDL receptor related protein 2; minus strand). Cytogenetic location: 2q31.1.
Variant type: single nucleotide variant.
Coding change: c.11746A>T on transcript NM_004525.3 (MANE Select); coding-DNA position 11746, A replaced by T.
Protein change: p.Thr3916Ser; replaces threonine 3916 with serine.
Molecular consequence: missense variant.
Genome position (GRCh38, 1-based): chr2:169,165,944, T>A on the plus strand (A>T on the coding strand, the complement: LRP2 is on the minus strand). VCF-style: chr2-169165944-T-A. GRCh37 (hg19) VCF-style: chr2-170022454-T-A.
Other names: short protein forms T3916S.
Identifiers: ClinVar variation 2092420 (VCV002092420.4), dbSNP rs773276877, ClinGen allele CA349140103.